The following is an entry in ClinVar:

ClinVar aggregate classification (germline): Uncertain significance. Review status: criteria provided, multiple submitters, no conflicts (2 of 4 stars). 2 submissions from 2 submitters: Uncertain significance (2). Last evaluated 2025-08-12.

Conditions:
Cardiovascular phenotype. Identifiers: MedGen CN230736.
DiGeorge syndrome. Also called: Catch22; THIRD AND FOURTH PHARYNGEAL POUCH SYNDROME. Identifiers: Orphanet 567, MedGen C0012236, MONDO:0008564, OMIM 188400.

Allele frequency attached by ClinVar (database versions not stated): TOPMed below 0.00001; ExAC 0.00001; gnomAD 0.00001.
gnomAD v4.1: 2 of 1,554,048 alleles (0.00013%); highest among the groups gnomAD compares: Admixed American, 0.0018%; no homozygotes.

Submissions (2):

Ambry Genetics
Classification: Uncertain significance for Cardiovascular phenotype. Last evaluated: 2025-08-12. Review status: criteria provided, single submitter. Criteria: Ambry Variant Classification Scheme 2023. Collection method: clinical testing. Allele origin: germline.
Comment: The p.D424N variant (also known as c.1270G>A), located in coding exon 8 of the TBX1 gene, results from a G to A substitution at nucleotide position 1270. The aspartic acid at codon 424 is replaced by asparagine, an amino acid with highly similar properties. This amino acid position is conserved. In addition, this alteration is predicted to be tolerated by in silico analysis. Since supporting evidence is limited at this time, the clinical significance of this alteration remains unclear.

Labcorp Genetics (formerly Invitae), Labcorp
Classification: Uncertain significance for DiGeorge syndrome. Last evaluated: 2020-08-20. Review status: criteria provided, single submitter. Criteria: Invitae Variant Classification Sherloc (09022015). Collection method: clinical testing. Allele origin: germline.
Comment: This sequence change replaces aspartic acid with asparagine at codon 424 of the TBX1 protein (p.Asp424Asn). The aspartic acid residue is moderately conserved and there is a small physicochemical difference between aspartic acid and asparagine. This variant is present in population databases (rs758517884, ExAC 0.01%). This variant has not been reported in the literature in individuals with TBX1-related conditions. Algorithms developed to predict the effect of missense changes on protein structure and function are either unavailable or do not agree on the potential impact of this missense change (SIFT: "Tolerated"; PolyPhen-2: "Possibly Damaging"; Align-GVGD: "Class C0"). In summary, the available evidence is currently insufficient to determine the role of this variant in disease. Therefore, it has been classified as a Variant of Uncertain Significance.

NM_001379200.1(TBX1):c.1297G>A (p.Asp433Asn)

Gene: TBX1 (T-box transcription factor 1; plus strand). Cytogenetic location: 22q11.21.
Variant type: single nucleotide variant.
Coding change: c.1297G>A on transcript NM_001379200.1 (MANE Select); coding-DNA position 1297, G replaced by A.
Protein change: p.Asp433Asn; replaces aspartic acid 433 with asparagine.
Molecular consequence: missense variant. On other transcripts: intron variant (2).
Genome position (GRCh38, 1-based): chr22:19,766,649, G>A. VCF-style: chr22-19766649-G-A. GRCh37 (hg19) VCF-style: chr22-19754172-G-A.
Other names: c.1270G>A, p.Asp424Asn (NM_080647.1); c.1009+647G>A (NM_005992.1, NM_080646.2); short protein forms D424N, D433N.
Identifiers: ClinVar variation 1004970 (VCV001004970.11), dbSNP rs758517884, ClinGen allele CA10102702.